The following is an entry in ClinVar:

NM_031483.7(ITCH):c.385A>T (p.Thr129Ser)

Gene: ITCH (itchy E3 ubiquitin protein ligase; plus strand). Cytogenetic location: 20q11.22.
Variant type: single nucleotide variant.
Coding change: c.385A>T on transcript NM_031483.7 (MANE Select); coding-DNA position 385, A replaced by T.
Protein change: p.Thr129Ser; replaces threonine 129 with serine.
Molecular consequence: missense variant.
Genome position (GRCh38, 1-based): chr20:34,413,789, A>T. VCF-style: chr20-34413789-A-T. GRCh37 (hg19) VCF-style: chr20-33001595-A-T.
Other names: c.385A>T, p.Thr129Ser (NM_001257137.3, NM_001324197.2, NM_001324198.2); c.55A>T, p.Thr19Ser (NM_001257138.3); short protein forms T129S, T19S.
Identifiers: ClinVar variation 1430419 (VCV001430419.8), dbSNP rs183893157, ClinGen allele CA408661889.

ClinVar aggregate classification (germline): Uncertain significance (1 of 4 stars; one submission).

Conditions:
Syndromic multisystem autoimmune disease due to ITCH deficiency. Also called: AUTOIMMUNE DISEASE, MULTISYSTEM, WITH FACIAL DYSMORPHISM. Identifiers: Orphanet 228426, MedGen C3150649, MONDO:0013245, OMIM 613385.

Submission:

Labcorp Genetics (formerly Invitae), Labcorp
Classification: Uncertain significance for Syndromic multisystem autoimmune disease due to ITCH deficiency. Last evaluated: 2022-08-13. Review status: criteria provided, single submitter. Criteria: Invitae Variant Classification Sherloc (09022015). Collection method: clinical testing. Allele origin: germline.
Comment: This sequence change replaces threonine, which is neutral and polar, with serine, which is neutral and polar, at codon 129 of the ITCH protein (p.Thr129Ser). This variant is not present in population databases (gnomAD no frequency). This variant has not been reported in the literature in individuals affected with ITCH-related conditions. ClinVar contains an entry for this variant (Variation ID: 1430419). Algorithms developed to predict the effect of missense changes on protein structure and function are either unavailable or do not agree on the potential impact of this missense change (SIFT: "Not Available"; PolyPhen-2: "Benign"; Align-GVGD: "Not Available"). In summary, the available evidence is currently insufficient to determine the role of this variant in disease. Therefore, it has been classified as a Variant of Uncertain Significance.